The following is an entry in ClinVar:

NM_024678.6(NARS2):c.392A>G (p.Lys131Arg)

Gene: NARS2 (asparaginyl-tRNA synthetase 2, mitochondrial; minus strand). Cytogenetic location: 11q14.1.
Variant type: single nucleotide variant.
Coding change: c.392A>G on transcript NM_024678.6 (MANE Select); coding-DNA position 392, A replaced by G.
Protein change: p.Lys131Arg; replaces lysine 131 with arginine.
Molecular consequence: missense variant. On other transcripts: 5 prime UTR variant (1).
Genome position (GRCh38, 1-based): chr11:78,566,253, T>C on the plus strand (A>G on the coding strand, the complement: NARS2 is on the minus strand). VCF-style: chr11-78566253-T-C. GRCh37 (hg19) VCF-style: chr11-78277299-T-C.
Other names: c.392A>G (NM_024678.5); c.-290A>G (NM_001243251.2); short protein forms K131R.
Identifiers: ClinVar variation 2582898 (VCV002582898.27), dbSNP rs377052090, ClinGen allele CA6205858.

ClinVar aggregate classification (germline): Uncertain significance. Review status: criteria provided, multiple submitters, no conflicts (2 of 4 stars). 3 submissions from 3 submitters: Uncertain significance (3). Last evaluated 2026-09-09.

Conditions:
NARS2-related disorder. Also called: NARS2-related condition.

Allele frequency attached by ClinVar (database versions not stated): ExAC 0.00002; ESP Exome Variant Server 0.00008.
gnomAD v4.1: 44 of 1,592,762 alleles (0.0028%); highest among the groups gnomAD compares: Non-Finnish European, 0.0036%; no homozygotes.

Submissions (3):

PreventionGenetics, part of Exact Sciences
Classification: Uncertain significance for NARS2-related condition. Last evaluated: 2026-09-09. Review status: criteria provided, single submitter. Criteria: ACMG Guidelines, 2015. Collection method: clinical testing. Allele origin: germline.
Comment: The NARS2 c.392A>G variant is predicted to result in the amino acid substitution p.Lys131Arg. To our knowledge, this variant has not been reported in the literature. This variant is reported in 0.0040% of alleles in individuals of European (Non-Finnish) descent in gnomAD. At this time, the clinical significance of this variant is uncertain due to the absence of conclusive functional and genetic evidence.

Blueprint Genetics
Classification: Uncertain significance. Last evaluated: 2024-09-05. Review status: criteria provided, single submitter. Criteria: ACMG Guidelines, 2015. Collection method: clinical testing. Allele origin: germline.

CeGaT Center for Human Genetics Tuebingen
Classification: Uncertain significance. Last evaluated: 2023-09-01. Review status: criteria provided, single submitter. Criteria: CeGaT Center For Human Genetics Tuebingen Variant Classification Criteria Version 2. Collection method: clinical testing. Allele origin: germline. Affected: yes. Observed: 1 variant allele.
Comment: NARS2: PM2:Supporting